The following is an entry in ClinVar:

NM_014714.4(IFT140):c.2636A>G (p.Tyr879Cys)

Gene: IFT140 (intraflagellar transport 140; minus strand). Cytogenetic location: 16p13.3.
Variant type: single nucleotide variant.
Coding change: c.2636A>G on transcript NM_014714.4 (MANE Select); coding-DNA position 2636, A replaced by G.
Protein change: p.Tyr879Cys; replaces tyrosine 879 with cysteine.
Molecular consequence: missense variant.
Genome position (GRCh38, 1-based): chr16:1,526,019, T>C on the plus strand (A>G on the coding strand, the complement: IFT140 is on the minus strand). VCF-style: chr16-1526019-T-C. GRCh37 (hg19) VCF-style: chr16-1576020-T-C.
Other names: short protein forms Y879C.
Identifiers: ClinVar variation 2197960 (VCV002197960.4), dbSNP rs2040682596, ClinGen allele CA394227706.

ClinVar aggregate classification (germline): Uncertain significance (1 of 4 stars; one submission).

Conditions:
Saldino-Mainzer syndrome (SRTD9). Also called: short-rib thoracic dysplasia 9 with or without polydactyly; CONORENAL SYNDROME; Renal dysplasia, retinal pigmentary dystrophy, cerebellar ataxia and skeletal dysplasia; SHORT-RIB THORACIC DYSPLASIA 9 WITHOUT POLYDACTYLY. Identifiers: Orphanet 140969, MedGen C1849437, MONDO:0009964, OMIM 266920.

Allele frequency attached by ClinVar (database versions not stated): gnomAD exomes 0.00001; TOPMed 0.00001.
gnomAD v4.1: 3 of 1,601,976 alleles (0.00019%); highest among the groups gnomAD compares: East Asian, 0.0068%; no homozygotes.

Submission:

Labcorp Genetics (formerly Invitae), Labcorp
Classification: Uncertain significance for Saldino-Mainzer syndrome. Last evaluated: 2022-06-28. Review status: criteria provided, single submitter. Criteria: Invitae Variant Classification Sherloc (09022015). Collection method: clinical testing. Allele origin: germline.
Comment: Algorithms developed to predict the effect of missense changes on protein structure and function are either unavailable or do not agree on the potential impact of this missense change (SIFT: "Deleterious"; PolyPhen-2: "Probably Damaging"; Align-GVGD: "Class C0"). This variant has not been reported in the literature in individuals affected with IFT140-related conditions. This variant is not present in population databases (gnomAD no frequency). This sequence change replaces tyrosine, which is neutral and polar, with cysteine, which is neutral and slightly polar, at codon 879 of the IFT140 protein (p.Tyr879Cys). In summary, the available evidence is currently insufficient to determine the role of this variant in disease. Therefore, it has been classified as a Variant of Uncertain Significance.